The following is an entry in ClinVar:

NM_001164508.2(NEB):c.13078C>G (p.Leu4360Val)

Gene: NEB (nebulin; minus strand). Cytogenetic location: 2q23.3.
Variant type: single nucleotide variant.
Coding change: c.13078C>G on transcript NM_001164508.2 (MANE Select); coding-DNA position 13078, C replaced by G.
Protein change: p.Leu4360Val; replaces leucine 4360 with valine.
Molecular consequence: missense variant. On other transcripts: intron variant (1).
Genome position (GRCh38, 1-based): chr2:151,603,754, G>C on the plus strand (C>G on the coding strand, the complement: NEB is on the minus strand). VCF-style: chr2-151603754-G-C. GRCh37 (hg19) VCF-style: chr2-152460268-G-C.
Other names: c.13078C>G, p.Leu4360Val (NM_001164507.2, NM_001271208.2); c.11601+6055C>G (NM_004543.5); short protein forms L4360V.
Identifiers: ClinVar variation 465472 (VCV000465472.11), dbSNP rs761799512, ClinGen allele CA1908503.
Genomic context (GRCh38, chr2:151,603,754, plus strand): 5'-TCACTCTCATCACTTCCACAGAACCCTCTGGCAGCCATCCAATACCCTTCAGCCATTCCA[G>C]GTCTGACTTGTACAAGTTCTACATGAAGGAGAGGAACACAGAGTGGGGAAGAGTCAAAGT-3'
Protein context (NP_001157980.2, residues 4350-4370): LQSDNLYKSD[Leu4360Val]EWLKGIGWLP

ClinVar aggregate classification (germline): Conflicting classifications of pathogenicity. Review status: criteria provided, conflicting classifications (1 of 4 stars). 4 submissions from 4 submitters: Uncertain significance (1); Likely benign (2). 1 of the submissions does not count toward it. Last evaluated 2026-02-01.

Conditions:
Nemaline myopathy 2 (NEM2). Also called: Nemaline myopathy 2, autosomal recessive. Identifiers: MedGen C1850569, MONDO:0009725, OMIM 256030.

Allele frequency attached by ClinVar (database versions not stated): ExAC 0.00068; gnomAD 0.00107; 1000 Genomes Project 30x 0.00156.

Submissions (4):

CeGaT Center for Human Genetics Tuebingen
Classification: Likely benign. Last evaluated: 2026-02-01. Review status: criteria provided, single submitter. Criteria: CeGaT Center For Human Genetics Tuebingen Variant Classification Criteria Version 2. Collection method: clinical testing. Allele origin: germline. Affected: yes. Observed: 1 variant allele.
Comment: NEB: BP4

GeneDx
Classification: Likely benign. Last evaluated: 2020-06-24. Review status: criteria provided, single submitter. Criteria: GeneDx Variant Classification Process June 2021. Collection method: clinical testing. Allele origin: germline. Affected: yes.

Labcorp Genetics (formerly Invitae), Labcorp
Classification: Uncertain significance for Nemaline myopathy 2. Last evaluated: 2016-11-23. Review status: criteria provided, single submitter. Criteria: Invitae Variant Classification Sherloc (09022015). Collection method: clinical testing. Allele origin: germline.

Natera, Inc.
Classification: Uncertain significance for Nemaline myopathy type 2. Last evaluated: 2019-11-11. Review status: no assertion criteria provided. Collection method: clinical testing. Allele origin: germline. Not counted in ClinVar's aggregate classification.